The following is an entry in ClinVar:

NM_002465.4(MYBPC1):c.1487T>C (p.Val496Ala)

Gene: MYBPC1 (myosin binding protein C1; plus strand). Cytogenetic location: 12q23.2.
Variant type: single nucleotide variant.
Coding change: c.1487T>C on transcript NM_002465.4 (MANE Select); coding-DNA position 1487, T replaced by C.
Protein change: p.Val496Ala; replaces valine 496 with alanine.
Molecular consequence: missense variant.
Genome position (GRCh38, 1-based): chr12:101,651,354, T>C. VCF-style: chr12-101651354-T-C. GRCh37 (hg19) VCF-style: chr12-102045132-T-C.
Other names: c.1487T>C (NM_002465.2); c.1373T>C, p.Val458Ala (NM_001254723.3); c.1487T>C, p.Val496Ala (NM_001404675.1, NM_206819.4); c.1355T>C, p.Val452Ala (NM_001404676.1, NM_001404678.1, NM_001254721.3); c.1277T>C, p.Val426Ala (NM_001404677.1, NM_001404679.1, NM_001404681.1); c.1334T>C, p.Val445Ala (NM_001404680.1, NM_001254722.3); c.1412T>C, p.Val471Ala (NM_001254718.3, NM_001254719.3, NM_206820.4 and 1 more transcripts); c.1376T>C, p.Val459Ala (NM_001254720.3); short protein forms V445A, V452A, V458A, V459A, V471A, V496A, V426A.
Identifiers: ClinVar variation 1176604 (VCV001176604.39), dbSNP rs752801065, ClinGen allele CA6744802.

ClinVar aggregate classification (germline): Conflicting classifications of pathogenicity. Review status: criteria provided, conflicting classifications (1 of 4 stars). 2 submissions from 2 submitters: Uncertain significance (1); Likely benign (1). Last evaluated 2026-06-01.

Conditions:
Inborn genetic diseases. Identifiers: MedGen C0950123, MeSH D030342.

Allele frequency attached by ClinVar (database versions not stated): TOPMed 0.00002; gnomAD exomes 0.00004; ExAC 0.00005; gnomAD 0.00006.
gnomAD v4.1: 66 of 1,614,076 alleles (0.0041%); highest among the groups gnomAD compares: Non-Finnish European, 0.0051%; no homozygotes.

Submissions (2):

CeGaT Center for Human Genetics Tuebingen
Classification: Likely benign. Last evaluated: 2026-06-01. Review status: criteria provided, single submitter. Criteria: CeGaT Center For Human Genetics Tuebingen Variant Classification Criteria Version 2. Collection method: clinical testing. Allele origin: germline. Affected: yes. Observed: 2 variant alleles.
Comment: MYBPC1: BP4

Ambry Genetics
Classification: Uncertain significance for Inborn genetic diseases. Last evaluated: 2023-03-02. Review status: criteria provided, single submitter. Criteria: Ambry Variant Classification Scheme 2023. Collection method: clinical testing. Allele origin: germline.